The following is an entry in ClinVar:

NM_001267550.2(TTN):c.97358C>G (p.Ser32453Ter)

Genes: TTN (titin; minus strand), TTN-AS1 (TTN antisense RNA 1; plus strand). Cytogenetic location: 2q31.2.
Variant type: single nucleotide variant.
Coding change: c.97358C>G on transcript NM_001267550.2 (MANE Select); coding-DNA position 97358, C replaced by G.
Protein change: p.Ser32453Ter; replaces serine 32453 with a stop codon.
Molecular consequence: nonsense.
Genome position (GRCh38, 1-based): chr2:178,542,398, G>C on the plus strand (C>G on the coding strand, the complement: TTN is on the minus strand). VCF-style: chr2-178542398-G-C. GRCh37 (hg19) VCF-style: chr2-179407125-G-C.
Other names: c.92435C>G, p.Ser30812Ter (NM_001256850.1); c.70163C>G, p.Ser23388Ter (NM_003319.4); c.89654C>G, p.Ser29885Ter (NM_133378.4); c.70538C>G, p.Ser23513Ter (NM_133432.3); c.70739C>G, p.Ser23580Ter (NM_133437.4); short protein forms S23388*, S23513*, S23580*, S29885*, S30812*, S32453*.
Identifiers: ClinVar variation 2039459 (VCV002039459.4), dbSNP rs2468889333, ClinGen allele CA349440176.
Genomic context (GRCh38, chr2:178,542,398, plus strand): 5'-CGGAACACATACTCATTTCCTTCGGTGAGTCTGGTAAACTTAAACGTGGACCTAGTCACT[G>C]ATTCAGAAACGGGCAGCCATCCTGGACGATGAGCGTCACGTTGTTCTACCACATAACCAC-3'

ClinVar aggregate classification (germline): Likely pathogenic (1 of 4 stars; one submission).

Conditions:
Dilated cardiomyopathy 1G (CMD1G). Identifiers: Orphanet 154, MedGen C1858763, MONDO:0011400, OMIM 604145.
Autosomal recessive limb-girdle muscular dystrophy type 2J (LGMDR10). Also called: MUSCULAR DYSTROPHY, LIMB-GIRDLE, AUTOSOMAL RECESSIVE 10; Limb-girdle muscular dystrophy, type 2J. Identifiers: Orphanet 140922, MedGen C1837342, MONDO:0012127, OMIM 608807.

Submission:

Labcorp Genetics (formerly Invitae), Labcorp
Classification: Likely pathogenic for Dilated cardiomyopathy 1G; Autosomal recessive limb-girdle muscular dystrophy type 2J. Last evaluated: 2021-12-10. Review status: criteria provided, single submitter. Criteria: Invitae Variant Classification Sherloc (09022015). Collection method: clinical testing. Allele origin: germline.
Comment: This variant is located in the A band of TTN (PMID: 25589632). Truncating variants in this region are significantly overrepresented in patients affected with dilated cardiomyopathy (PMID: 25589632). Truncating variants in this region have also been reported in individuals affected with autosomal recessive centronuclear myopathy (PMID: 23975875). In summary, the currently available evidence indicates that the variant is pathogenic, but additional data are needed to prove that conclusively. Therefore, this variant has been classified as Likely Pathogenic. This sequence change creates a premature translational stop signal (p.Ser32453*) in the TTN gene. While this is not anticipated to result in nonsense mediated decay, it is expected to create a truncated TTN protein. This variant is not present in population databases (gnomAD no frequency). This variant has not been reported in the literature in individuals affected with TTN-related conditions.

Literature cited by the submitters: PubMed 25589632; PubMed 23975875.